The following is an entry in ClinVar:

ClinVar aggregate classification (germline): Uncertain significance (1 of 4 stars; one submission).

Conditions:
Amyotrophic lateral sclerosis type 8 (ALS8). Identifiers: Orphanet 803, MedGen C1837728, MONDO:0012077, OMIM 608627.
Adult-onset proximal spinal muscular atrophy, autosomal dominant. Also called: FINKEL LATE-ADULT TYPE SMA; Spinal muscular atrophy, late-onset, finkel type. Identifiers: Orphanet 209335, MedGen C1854058, MONDO:0008453, OMIM 182980.

gnomAD v4.1: 17 of 1,601,336 alleles (0.0011%); highest among the groups gnomAD compares: Non-Finnish European, 0.0015%; no homozygotes.

Submission:

Labcorp Genetics (formerly Invitae), Labcorp
Classification: Uncertain significance for Adult-onset proximal spinal muscular atrophy, autosomal dominant; Amyotrophic lateral sclerosis type 8. Last evaluated: 2025-02-21. Review status: criteria provided, single submitter. Criteria: Invitae Variant Classification Sherloc (09022015). Collection method: clinical testing. Allele origin: germline.
Comment: This sequence change replaces methionine, which is neutral and non-polar, with leucine, which is neutral and non-polar, at codon 89 of the VAPB protein (p.Met89Leu). This variant is present in population databases (no rsID available, gnomAD 0.007%). This variant has not been reported in the literature in individuals affected with VAPB-related conditions. Invitae Evidence Modeling of protein sequence and biophysical properties (such as structural, functional, and spatial information, amino acid conservation, physicochemical variation, residue mobility, and thermodynamic stability) indicates that this missense variant is not expected to disrupt VAPB protein function with a negative predictive value of 80%. In summary, the available evidence is currently insufficient to determine the role of this variant in disease. Therefore, it has been classified as a Variant of Uncertain Significance.

NM_004738.5(VAPB):c.265A>T (p.Met89Leu)

Gene: VAPB (VAMP associated protein B and C; plus strand). Cytogenetic location: 20q13.32.
Variant type: single nucleotide variant.
Coding change: c.265A>T on transcript NM_004738.5 (MANE Select); coding-DNA position 265, A replaced by T.
Protein change: p.Met89Leu; replaces methionine 89 with leucine.
Molecular consequence: missense variant. On other transcripts: intron variant (1).
Genome position (GRCh38, 1-based): chr20:58,434,655, A>T. VCF-style: chr20-58434655-A-T. GRCh37 (hg19) VCF-style: chr20-57009711-A-T.
Other names: c.212-9422A>T (NM_001195677.2); short protein forms M89L.
Identifiers: ClinVar variation 4784069 (VCV004784069.1).